The following is an entry in ClinVar:

ClinVar aggregate classification (germline): Uncertain significance (1 of 4 stars; one submission).

Allele frequency attached by ClinVar (database versions not stated): ExAC 0.00001.
gnomAD v4.1: 1 of 1,612,794 alleles (0.000062%); highest among the groups gnomAD compares: Non-Finnish European, 0.000085%; no homozygotes.

Submission:

Labcorp Genetics (formerly Invitae), Labcorp
Classification: Uncertain significance. Last evaluated: 2023-04-05. Review status: criteria provided, single submitter. Criteria: Invitae Variant Classification Sherloc (09022015). Collection method: clinical testing. Allele origin: germline.
Comment: This sequence change replaces arginine, which is basic and polar, with proline, which is neutral and non-polar, at codon 1333 of the DSCAML1 protein (p.Arg1333Pro). This variant is present in population databases (rs772521283, gnomAD 0.007%). This variant has not been reported in the literature in individuals affected with DSCAML1-related conditions. ClinVar contains an entry for this variant (Variation ID: 1964927). An algorithm developed to predict the effect of missense changes on protein structure and function (PolyPhen-2) suggests that this variant is likely to be disruptive. In summary, the available evidence is currently insufficient to determine the role of this variant in disease. Therefore, it has been classified as a Variant of Uncertain Significance.

NM_020693.4(DSCAML1):c.3818G>C (p.Arg1273Pro)

Gene: DSCAML1 (DS cell adhesion molecule like 1; minus strand). Cytogenetic location: 11q23.3.
Variant type: single nucleotide variant.
Coding change: c.3818G>C on transcript NM_020693.4 (MANE Select); coding-DNA position 3818, G replaced by C.
Protein change: p.Arg1273Pro; replaces arginine 1273 with proline.
Molecular consequence: missense variant.
Genome position (GRCh38, 1-based): chr11:117,443,930, C>G on the plus strand (G>C on the coding strand, the complement: DSCAML1 is on the minus strand). VCF-style: chr11-117443930-C-G. GRCh37 (hg19) VCF-style: chr11-117314646-C-G.
Other names: short protein forms R1273P.
Identifiers: ClinVar variation 1964927 (VCV001964927.5), dbSNP rs772521283, ClinGen allele CA6296578.